The following is an entry in ClinVar:

ClinVar aggregate classification (germline): Uncertain significance (1 of 4 stars; one submission).

Conditions:
Hereditary cancer-predisposing syndrome. Also called: Neoplastic Syndromes, Hereditary; Tumor predisposition; Hereditary Cancer Syndrome; Hereditary neoplastic syndrome. Identifiers: Orphanet 140162, MedGen C0027672, MeSH D009386, MONDO:0015356.

Allele frequency attached by ClinVar (database versions not stated): gnomAD exomes below 0.00001.
gnomAD v4.1: 2 of 1,614,070 alleles (0.00012%); highest among the groups gnomAD compares: East Asian, 0.0045%; no homozygotes.

Submission:

Ambry Genetics
Classification: Uncertain significance for Hereditary cancer-predisposing syndrome. Last evaluated: 2021-12-14. Review status: criteria provided, single submitter. Criteria: Ambry Variant Classification Scheme 2023. Collection method: clinical testing. Allele origin: germline.
Comment: The p.H1158Y variant (also known as c.3472C>T), located in coding exon 13 of the PALB2 gene, results from a C to T substitution at nucleotide position 3472. The histidine at codon 1158 is replaced by tyrosine, an amino acid with similar properties. This amino acid position is poorly conserved in available vertebrate species. In addition, this alteration is predicted to be tolerated by in silico analysis. Since supporting evidence is limited at this time, the clinical significance of this alteration remains unclear.

NM_024675.4(PALB2):c.3472C>T (p.His1158Tyr)

Gene: PALB2 (partner and localizer of BRCA2; minus strand). Cytogenetic location: 16p12.2.
Variant type: single nucleotide variant.
Coding change: c.3472C>T on transcript NM_024675.4 (MANE Select); coding-DNA position 3472, C replaced by T.
Protein change: p.His1158Tyr; replaces histidine 1158 with tyrosine.
Molecular consequence: missense variant.
Genome position (GRCh38, 1-based): chr16:23,603,548, G>A on the plus strand (C>T on the coding strand, the complement: PALB2 is on the minus strand). VCF-style: chr16-23603548-G-A. GRCh37 (hg19) VCF-style: chr16-23614869-G-A.
Other names: c.3412C>T, p.His1138Tyr (NM_001407296.1); c.3400C>T, p.His1134Tyr (NM_001407297.1); c.3310C>T, p.His1104Tyr (NM_001407298.1); c.3235C>T, p.His1079Tyr (NM_001407299.1); c.3193C>T, p.His1065Tyr (NM_001407300.1); c.*107C>T (NM_001407301.1, NM_001407302.1, NM_001407310.1 and 2 more transcripts); c.2587C>T, p.His863Tyr (NM_001407304.1, NM_001407305.1, NM_001407306.1); c.2425C>T, p.His809Tyr (NM_001407307.1); and 3 more; short protein forms H1079Y, H784Y, H1134Y, H562Y, H863Y, H1158Y, H336Y, H809Y.
Identifiers: ClinVar variation 1731750 (VCV001731750.2), dbSNP rs2142253005, ClinGen allele CA395138015.